The following is an entry in ClinVar:

ClinVar aggregate classification (germline): Uncertain significance. Review status: criteria provided, multiple submitters, no conflicts (2 of 4 stars). 9 submissions from 9 submitters: Uncertain significance (9). Last evaluated 2026-02-06.

Conditions:
Hypertrophic cardiomyopathy 4. Also called: Familial hypertrophic cardiomyopathy 4. Identifiers: MedGen C1861862, MONDO:0007268, OMIM 115197.
Left ventricular noncompaction 10 (LVNC10). Identifiers: Orphanet 154, Orphanet 54260, MedGen C3715165, MONDO:0014163, OMIM 615396.
Cardiovascular phenotype. Identifiers: MedGen CN230736.
Cardiomyopathy (CMYO). Also called: Cardiomyopathies. Identifiers: Orphanet 167848, MedGen C0878544, MONDO:0004994, HP:0001638. Inheritance: Various modes of inheritance.
Hypertrophic cardiomyopathy. Also called: HYPERTROPHIC MYOCARDIOPATHY. Identifiers: Orphanet 217569, MedGen C0007194, MeSH D002312, MONDO:0005045, HP:0001639.

Allele frequency attached by ClinVar (database versions not stated): ExAC 0.00001; gnomAD exomes 0.00001; gnomAD 0.00002; TOPMed 0.00002.
gnomAD v4.1: 20 of 1,613,784 alleles (0.0012%); highest among the groups gnomAD compares: East Asian, 0.0089%; no homozygotes.

Submissions (9):

Women's Health and Genetics/Laboratory Corporation of America, LabCorp
Classification: Uncertain significance. Last evaluated: 2026-02-06. Review status: criteria provided, single submitter. Criteria: LabCorp Variant Classification Summary - May 2015. Collection method: clinical testing. Allele origin: germline.
Comment: Variant summary: MYBPC3 c.1960C>T (p.Arg654Cys) results in a non-conservative amino acid change in the encoded protein sequence. Algorithms developed to predict the effect of missense changes on protein structure and function are either unavailable or do not agree on the potential impact of this missense change. The variant allele was found at a frequency of 8e-06 in 249168 control chromosomes. The available data on variant occurrences in the general population are insufficient to allow any conclusion about variant significance. c.1960C>T has been observed in individual(s) affected with hypertrophic cardiomyopathy and dilated cardiomyopathy (examples: Waldmller_2011, Lopes_2015, Kresin_2019, McGurk_2023, Voinescu_2024). These report(s) do not provide unequivocal conclusions about association of the variant with Dilated Cardiomyopathy. To our knowledge, no experimental evidence demonstrating an impact on protein function has been reported. The following publications have been ascertained in the context of this evaluation (PMID: 21750094, 25351510, 37652022, 38473809, 30984009). ClinVar contains an entry for this variant (Variation ID: 42587). Based on the evidence outlined above, the variant was classified as uncertain significance.

Labcorp Genetics (formerly Invitae), Labcorp
Classification: Uncertain significance for Hypertrophic cardiomyopathy. Last evaluated: 2025-11-09. Review status: criteria provided, single submitter. Criteria: Invitae Variant Classification Sherloc (09022015). Collection method: clinical testing. Allele origin: germline.
Comment: This sequence change replaces arginine, which is basic and polar, with cysteine, which is neutral and slightly polar, at codon 654 of the MYBPC3 protein (p.Arg654Cys). This variant is present in population databases (rs397515939, gnomAD 0.01%). This missense change has been observed in individual(s) with hypertrophic cardiomyopathy and dilated cardiomyopathy (PMID: 21750094, 25351510, 27532257, 30984009, 37652022). ClinVar contains an entry for this variant (Variation ID: 42587). An algorithm developed to predict the effect of missense changes on protein structure and function (PolyPhen-2) suggests that this variant is likely to be tolerated. In summary, the available evidence is currently insufficient to determine the role of this variant in disease. Therefore, it has been classified as a Variant of Uncertain Significance.

Blueprint Genetics
Classification: Uncertain significance. Last evaluated: 2024-11-20. Review status: criteria provided, single submitter. Criteria: ACMG Guidelines, 2015. Collection method: clinical testing. Allele origin: germline.

All of Us Research Program, National Institutes of Health
Classification: Uncertain significance for Hypertrophic cardiomyopathy. Last evaluated: 2024-09-13. Review status: criteria provided, single submitter. Criteria: ACMG Guidelines, 2015. Collection method: clinical testing. Allele origin: germline. Inheritance: Autosomal dominant inheritance. Observed: 3 variant alleles, 3 heterozygotes.
Comment: This missense variant replaces arginine with cysteine at codon 654 of the MYBPC3 protein. Computational prediction suggests that this variant may not impact protein structure and function (internally defined REVEL score threshold <= 0.5, PMID: 27666373). To our knowledge, functional studies have not been reported for this variant. This variant has been reported in individuals affected with hypertrophic cardiomyopathy (PMID: 25351510, 27532257, 30984009) and in an individual affected with dilated cardiomyopathy (PMID: 21750094). This variant has been identified in 5/280564 chromosomes in the general population by the Genome Aggregation Database (gnomAD). The available evidence is insufficient to determine the role of this variant in disease conclusively. Therefore, this variant is classified as a Variant of Uncertain Significance.

This study involves interpretation of variants in research participants for the purpose of population health screening. Participant phenotype was not available at the time of variant classification. Additional details can be found in publication PMID: 35346344, PMCID: PMC8962531

Color Diagnostics, LLC DBA Color Health
Classification: Uncertain significance for Cardiomyopathy. Last evaluated: 2024-07-10. Review status: criteria provided, single submitter. Criteria: ACMG Guidelines, 2015. Collection method: clinical testing. Allele origin: germline.
Comment: This missense variant replaces arginine with cysteine at codon 654 of the MYBPC3 protein. Computational prediction tools indicate that this variant has a neutral impact on protein structure and function. To our knowledge, functional studies have not been reported for this variant. This variant has been reported in individuals affected with hypertrophic cardiomyopathy (PMID: 25351510, 27532257, 30984009) and in an individual affected with dilated cardiomyopathy (PMID: 21750094). This variant has been identified in 5/280564 chromosomes in the general population by the Genome Aggregation Database (gnomAD). The available evidence is insufficient to determine the role of this variant in disease conclusively. Therefore, this variant is classified as a Variant of Uncertain Significance.

Ambry Genetics
Classification: Uncertain significance for Cardiovascular phenotype. Last evaluated: 2022-04-07. Review status: criteria provided, single submitter. Criteria: Ambry Variant Classification Scheme 2023. Collection method: clinical testing. Allele origin: germline.

CHEO Genetics Diagnostic Laboratory, Children's Hospital of Eastern Ontario
Classification: Uncertain significance for Cardiomyopathy. Last evaluated: 2022-03-28. Review status: criteria provided, single submitter. Criteria: ACMG Guidelines, 2015. Collection method: clinical testing. Allele origin: germline.

Fulgent Genetics
Classification: Uncertain significance for Hypertrophic cardiomyopathy 4; Left ventricular noncompaction 10. Last evaluated: 2021-10-07. Review status: criteria provided, single submitter. Criteria: ACMG Guidelines, 2015. Collection method: clinical testing. Allele origin: unknown.

Laboratory for Molecular Medicine, Mass General Brigham Personalized Medicine
Classification: Uncertain significance. Last evaluated: 2019-04-04. Review status: criteria provided, single submitter. Criteria: ACMG Guidelines, 2015. Collection method: clinical testing. Allele origin: germline.
Comment: In addition, this variant has been identified in 1/67617 European chromosomes by the Exome Aggregation Consortium (ExAC; dbSNP rs397515939). Arginine (Arg) at position 654 is not conserved in mammals or evolutionarily distant species and the change to cysteine (Cys) was predicted to be benign using a computational tool clinically validated by our laboratory. This tool's benign prediction is estimated to be correct 89% of the time (Jordan 2011). In summary, while the clinical significance of the p.Arg654Cys variant is uncertain, these data suggest that it is more likely to be benign.

Literature cited by the submitters: PubMed 21750094 (cited by 5 submitters); PubMed 25351510 (cited by 4 submitters); PubMed 37652022 (cited by Women's Health and Genetics/Laboratory Corporation of America, LabCorp and Labcorp Genetics (formerly Invitae), Labcorp); PubMed 38473809 (cited by Women's Health and Genetics/Laboratory Corporation of America, LabCorp); PubMed 30984009 (cited by 4 submitters); PubMed 27532257 (cited by 3 submitters).

NM_000256.3(MYBPC3):c.1960C>T (p.Arg654Cys)

Gene: MYBPC3 (myosin binding protein C3; minus strand). Cytogenetic location: 11p11.2.
Variant type: single nucleotide variant.
Coding change: c.1960C>T on transcript NM_000256.3 (MANE Select); coding-DNA position 1960, C replaced by T.
Protein change: p.Arg654Cys; replaces arginine 654 with cysteine.
Molecular consequence: missense variant.
Genome position (GRCh38, 1-based): chr11:47,339,758, G>A on the plus strand (C>T on the coding strand, the complement: MYBPC3 is on the minus strand). VCF-style: chr11-47339758-G-A. GRCh37 (hg19) VCF-style: chr11-47361309-G-A.
Other names: short protein forms R654C.
Identifiers: ClinVar variation 42587 (VCV000042587.25), dbSNP rs397515939, ClinGen allele CA011557.